The following is an entry in ClinVar:

ClinVar aggregate classification (germline): Uncertain significance (1 of 4 stars; one submission).

Conditions:
Alpha thalassemia-X-linked intellectual disability syndrome (ATRX). Also called: ALPHA-THALASSEMIA/MENTAL RETARDATION SYNDROME, X-LINKED; ATR, NONDELETION TYPE; ATR-X syndrome; Alpha thalassemia mental retardation syndrome, nondeletion type, X-linked; XLMR hypotonic face syndrome; X-linked alpha-thalassemia-mental retardation syndrome. Identifiers: Orphanet 847, MedGen C1845055, MONDO:0010519, OMIM 301040.

Submission:

Labcorp Genetics (formerly Invitae), Labcorp
Classification: Uncertain significance for Alpha thalassemia-X-linked intellectual disability syndrome. Last evaluated: 2024-09-21. Review status: criteria provided, single submitter. Criteria: Invitae Variant Classification Sherloc (09022015). Collection method: clinical testing. Allele origin: germline.
Comment: This sequence change replaces leucine, which is neutral and non-polar, with phenylalanine, which is neutral and non-polar, at codon 392 of the ATRX protein (p.Leu392Phe). This variant is not present in population databases (gnomAD no frequency). This variant has not been reported in the literature in individuals affected with ATRX-related conditions. Invitae Evidence Modeling of protein sequence and biophysical properties (such as structural, functional, and spatial information, amino acid conservation, physicochemical variation, residue mobility, and thermodynamic stability) indicates that this missense variant is not expected to disrupt ATRX protein function with a negative predictive value of 95%. In summary, the available evidence is currently insufficient to determine the role of this variant in disease. Therefore, it has been classified as a Variant of Uncertain Significance.

NM_000489.6(ATRX):c.1174C>T (p.Leu392Phe)

Gene: ATRX (ATRX chromatin remodeler; minus strand). Cytogenetic location: Xq21.1.
Variant type: single nucleotide variant.
Coding change: c.1174C>T on transcript NM_000489.6 (MANE Select); coding-DNA position 1174, C replaced by T.
Protein change: p.Leu392Phe; replaces leucine 392 with phenylalanine.
Molecular consequence: missense variant.
Genome position (GRCh38, 1-based): chrX:77,684,082, G>A on the plus strand (C>T on the coding strand, the complement: ATRX is on the minus strand). VCF-style: chrX-77684082-G-A. GRCh37 (hg19) VCF-style: chrX-76939574-G-A.
Other names: c.1060C>T, p.Leu354Phe (NM_138270.5); short protein forms L354F, L392F.
Identifiers: ClinVar variation 3678125 (VCV003678125.2).